The following is an entry in ClinVar:

ClinVar aggregate classification (germline): Conflicting classifications of pathogenicity. Review status: criteria provided, conflicting classifications (1 of 4 stars). 14 submissions from 14 submitters: Uncertain significance (8); Likely benign (2). 4 of the submissions do not count toward it. Last evaluated 2026-07-02.

Conditions:
CYP27A1-related disorder. Also called: CYP27A1-related condition.
Cardiovascular phenotype. Identifiers: MedGen CN230736.
Cholestanol storage disease (CTX). Also called: CEREBRAL CHOLESTERINOSIS; Cerebrotendinous Xanthomatosis; CTX: Cerebrotendinous xanthomatosis. Identifiers: Orphanet 909, MedGen C0238052, MONDO:0008948, OMIM 213700.

Allele frequency attached by ClinVar (database versions not stated): TOPMed 0.00007.
gnomAD v4.1: 102 of 1,614,078 alleles (0.0063%); highest among the groups gnomAD compares: East Asian, 0.045%; no homozygotes.

Submissions (14):

PreventionGenetics, part of Exact Sciences
Classification: Uncertain significance for CYP27A1-related condition. Last evaluated: 2026-07-02. Review status: criteria provided, single submitter. Criteria: ACMG Guidelines, 2015. Collection method: clinical testing. Allele origin: germline.
Comment: The CYP27A1 c.491G>C variant is predicted to result in the amino acid substitution p.Arg164Pro. This variant has been reported in a patient with an inborn error of bile acid metabolism; however, this patient lacked a second variant in CYP27A1 and had a homozygous variant in the AKR1D1 gene and a heterozygous variant in the ABCC3 gene (Patient 04 in Table 4, Chen et al. 2018. PubMed ID: 30366773). Additionally, this variant is reported in 0.065% of alleles in individuals of East Asian descent in gnomAD, which may be too common for a pathogenic variant. This variant has conflicting interpretations in ClinVar regarding its pathogenicity ranging from likely benign to uncertain (Variation ID:498357). Although we suspect that this variant may be benign, at this time, the clinical significance of this variant is uncertain due to the absence of conclusive functional and genetic evidence.

Labcorp Genetics (formerly Invitae), Labcorp
Classification: Likely benign for Cholestanol storage disease. Last evaluated: 2026-02-03. Review status: criteria provided, single submitter. Criteria: Invitae Variant Classification Sherloc (09022015). Collection method: clinical testing. Allele origin: germline.

GeneDx
Classification: Uncertain significance. Last evaluated: 2025-12-18. Review status: criteria provided, single submitter. Criteria: GeneDx Variant Classification Process June 2021. Collection method: clinical testing. Allele origin: germline. Affected: yes.
Comment: Reported as a heterozygous variant in a patient with an inborn error of bile acid metabolism in the published literature; however, a second variant in CYP27A1 was not reported (PMID: 30366773); In silico analysis supports that this missense variant has a deleterious effect on protein structure/function; This variant is associated with the following publications: (PMID: 30366773)

Ambry Genetics
Classification: Uncertain significance for Cardiovascular phenotype. Last evaluated: 2024-09-25. Review status: criteria provided, single submitter. Criteria: Ambry Variant Classification Scheme 2023. Collection method: clinical testing. Allele origin: germline.
Comment: The p.R164P variant (also known as c.491G>C), located in coding exon 3 of the CYP27A1 gene, results from a G to C substitution at nucleotide position 491. The arginine at codon 164 is replaced by proline, an amino acid with dissimilar properties. This amino acid position is well conserved in available vertebrate species. In addition, the in silico prediction for this alteration is inconclusive. Based on the available evidence, the clinical significance of this variant remains unclear.

Blueprint Genetics
Classification: Likely benign. Last evaluated: 2024-09-18. Review status: criteria provided, single submitter. Criteria: ACMG Guidelines, 2015. Collection method: clinical testing. Allele origin: germline.

Mayo Clinic Laboratories, Mayo Clinic
Classification: Uncertain significance. Last evaluated: 2023-01-24. Review status: criteria provided, single submitter. Criteria: ACMG Guidelines, 2015. Collection method: clinical testing. Allele origin: germline. Observed: 1 variant allele.

Department of Pathology and Laboratory Medicine, Sinai Health System
Classification: Uncertain significance for cerebrotendinous xanthomatosis. Last evaluated: 2021-07-30. Review status: criteria provided, single submitter. Criteria: ACMG Guidelines, 2015. Collection method: research. Allele origin: germline.

Athena Diagnostics
Classification: Uncertain significance. Last evaluated: 2020-08-11. Review status: criteria provided, single submitter. Criteria: Athena Diagnostics Criteria. Collection method: clinical testing. Allele origin: unknown.

Fulgent Genetics
Classification: Uncertain significance for Cholestanol storage disease. Last evaluated: 2018-10-31. Review status: criteria provided, single submitter. Criteria: ACMG Guidelines, 2015. Collection method: clinical testing. Allele origin: unknown.

Eurofins Ntd Llc (ga)
Classification: Uncertain significance. Last evaluated: 2018-06-05. Review status: criteria provided, single submitter. Criteria: EGL ClinVar v180209 classification definitions. Collection method: clinical testing. Allele origin: germline. Observed: 8 variant alleles, 7 heterozygotes, 1 homozygote.

Natera, Inc.
Classification: Uncertain significance for Cerebrotendinous xanthomatosis. Last evaluated: 2020-01-17. Review status: no assertion criteria provided. Collection method: clinical testing. Allele origin: germline. Not counted in ClinVar's aggregate classification.

Clinical Genetics DNA and cytogenetics Diagnostics Lab, Erasmus MC, Erasmus Medical Center
Classification: Uncertain significance. Review status: no assertion criteria provided. Collection method: clinical testing. Allele origin: germline. Affected: yes. Study: VKGL Data-share Consensus. Not counted in ClinVar's aggregate classification.

Clinical Genetics, Academic Medical Center
Classification: Uncertain significance. Review status: no assertion criteria provided. Collection method: clinical testing. Allele origin: germline. Affected: yes. Study: VKGL Data-share Consensus. Not counted in ClinVar's aggregate classification.

Laboratory of Diagnostic Genome Analysis, Leiden University Medical Center (LUMC)
Classification: Uncertain significance. Review status: no assertion criteria provided. Collection method: clinical testing. Allele origin: germline. Affected: yes. Study: VKGL Data-share Consensus. Not counted in ClinVar's aggregate classification.

Literature cited by the submitters: PubMed 30366773 (cited by Athena Diagnostics).

NM_000784.4(CYP27A1):c.491G>C (p.Arg164Pro)

Gene: CYP27A1 (cytochrome P450 family 27 subfamily A member 1; plus strand). Cytogenetic location: 2q35.
Variant type: single nucleotide variant.
Coding change: c.491G>C on transcript NM_000784.4 (MANE Select); coding-DNA position 491, G replaced by C.
Protein change: p.Arg164Pro; replaces arginine 164 with proline.
Molecular consequence: missense variant.
Genome position (GRCh38, 1-based): chr2:218,812,266, G>C. VCF-style: chr2-218812266-G-C. GRCh37 (hg19) VCF-style: chr2-219676989-G-C.
Other names: p.Arg164Pro; short protein forms R164P.
Identifiers: ClinVar variation 498357 (VCV000498357.36), dbSNP rs148417330, ClinGen allele CA2112625.